The following is an entry in ClinVar:

NM_012238.5(SIRT1):c.188C>T (p.Ala63Val)

Genes: SIRT1 (sirtuin 1; plus strand), LOC107832851 (SIRT1 promoter region; plus strand). Cytogenetic location: 10q21.3.
Variant type: single nucleotide variant.
Coding change: c.188C>T on transcript NM_012238.5 (MANE Select); coding-DNA position 188, C replaced by T.
Protein change: p.Ala63Val; replaces alanine 63 with valine.
Molecular consequence: missense variant.
Genome position (GRCh38, 1-based): chr10:67,884,909, C>T. VCF-style: chr10-67884909-C-T. GRCh37 (hg19) VCF-style: chr10-69644667-C-T.
Other names: short protein forms A63V.
Identifiers: ClinVar variation 3162504 (VCV003162504.2), dbSNP rs964485281, ClinGen allele CA208364157.
Genomic context (GRCh38, chr10:67,884,909, plus strand): 5'-GCCTCGAGCGGAGCCCGGGCGAGCCCGGTGGGGCGGCCCCAGAGCGTGAGGTGCCGGCGG[C>T]GGCCAGGGGCTGCCCGGGTGCGGCGGCGGCGGCGCTGTGGCGGGAGGCGGAGGCAGAGGC-3'
Protein context (NP_036370.2, residues 53-73): GAAPEREVPA[Ala63Val]ARGCPGAAAA

ClinVar aggregate classification (germline): Uncertain significance. Review status: criteria provided, multiple submitters, no conflicts (2 of 4 stars). 2 submissions from 2 submitters: Uncertain significance (2). Last evaluated 2025-09-29.

Allele frequency attached by ClinVar (database versions not stated): gnomAD 0.00001.
gnomAD v4.1: 4 of 1,222,138 alleles (0.00033%); highest among the groups gnomAD compares: Non-Finnish European, 0.00031%; no homozygotes.

Submissions (2):

Labcorp Genetics (formerly Invitae), Labcorp
Classification: Uncertain significance. Last evaluated: 2025-09-29. Review status: criteria provided, single submitter. Criteria: Invitae Variant Classification Sherloc (09022015). Collection method: clinical testing. Allele origin: germline.
Comment: This sequence change replaces alanine, which is neutral and non-polar, with valine, which is neutral and non-polar, at codon 63 of the SIRT1 protein (p.Ala63Val). This variant is not present in population databases (gnomAD no frequency). This variant has not been reported in the literature in individuals affected with SIRT1-related conditions. ClinVar contains an entry for this variant (Variation ID: 3162504). An algorithm developed to predict the effect of missense changes on protein structure and function (PolyPhen-2) suggests that this variant is likely to be disruptive. In summary, the available evidence is currently insufficient to determine the role of this variant in disease. Therefore, it has been classified as a Variant of Uncertain Significance.

Ambry Genetics
Classification: Uncertain significance. Last evaluated: 2023-11-18. Review status: criteria provided, single submitter. Criteria: Ambry Variant Classification Scheme 2023. Collection method: clinical testing. Allele origin: germline.